The following is an entry in ClinVar:

ClinVar aggregate classification (germline): Uncertain significance (1 of 4 stars; one submission).

Conditions:
Cardiovascular phenotype. Identifiers: MedGen CN230736.

Submission:

Ambry Genetics
Classification: Uncertain significance for Cardiovascular phenotype. Last evaluated: 2022-03-09. Review status: criteria provided, single submitter. Criteria: Ambry Variant Classification Scheme 2023. Collection method: clinical testing. Allele origin: germline.
Comment: The p.I170M variant (also known as c.510C>G), located in coding exon 1 of the KCNJ2 gene, results from a C to G substitution at nucleotide position 510. The isoleucine at codon 170 is replaced by methionine, an amino acid with highly similar properties. This amino acid position is highly conserved in available vertebrate species. In addition, this alteration is predicted to be deleterious by in silico analysis. Since supporting evidence is limited at this time, the clinical significance of this alteration remains unclear.

NM_000891.3(KCNJ2):c.510C>G (p.Ile170Met)

Gene: KCNJ2 (potassium inwardly rectifying channel subfamily J member 2; plus strand). Cytogenetic location: 17q24.3.
Variant type: single nucleotide variant.
Coding change: c.510C>G on transcript NM_000891.3 (MANE Select); coding-DNA position 510, C replaced by G.
Protein change: p.Ile170Met; replaces isoleucine 170 with methionine.
Molecular consequence: missense variant.
Genome position (GRCh38, 1-based): chr17:70,175,549, C>G. VCF-style: chr17-70175549-C-G. GRCh37 (hg19) VCF-style: chr17-68171690-C-G.
Other names: short protein forms I170M.
Identifiers: ClinVar variation 519302 (VCV000519302.5), dbSNP rs1555603943, ClinGen allele CA400860782.